The following is an entry in ClinVar:

ClinVar aggregate classification (germline): Uncertain significance (1 of 4 stars; one submission).

Allele frequency attached by ClinVar (database versions not stated): gnomAD exomes below 0.00001.
gnomAD v4.1: 2 of 1,613,592 alleles (0.00012%); highest among the groups gnomAD compares: Admixed American, 0.0017%; no homozygotes.

Submission:

Labcorp Genetics (formerly Invitae), Labcorp
Classification: Uncertain significance. Last evaluated: 2022-09-07. Review status: criteria provided, single submitter. Criteria: Invitae Variant Classification Sherloc (09022015). Collection method: clinical testing. Allele origin: germline.
Comment: In summary, the available evidence is currently insufficient to determine the role of this variant in disease. Therefore, it has been classified as a Variant of Uncertain Significance. Algorithms developed to predict the effect of missense changes on protein structure and function (SIFT, PolyPhen-2, Align-GVGD) all suggest that this variant is likely to be tolerated. This variant has not been reported in the literature in individuals affected with CD46-related conditions. This variant is not present in population databases (gnomAD no frequency). This sequence change replaces alanine, which is neutral and non-polar, with valine, which is neutral and non-polar, at codon 219 of the CD46 protein (p.Ala219Val).

NM_172351.3(CD46):c.656C>T (p.Ala219Val)

Gene: CD46 (CD46 molecule; plus strand). Cytogenetic location: 1q32.2.
Variant type: single nucleotide variant.
Coding change: c.656C>T on transcript NM_172351.3 (MANE Select); coding-DNA position 656, C replaced by T.
Protein change: p.Ala219Val; replaces alanine 219 with valine.
Molecular consequence: missense variant.
Genome position (GRCh38, 1-based): chr1:207,761,429, C>T. VCF-style: chr1-207761429-C-T. GRCh37 (hg19) VCF-style: chr1-207934774-C-T.
Other names: c.656C>T, p.Ala219Val (NM_002389.4, NM_153826.4, NM_172350.3 and 8 more transcripts); short protein forms A219V.
Identifiers: ClinVar variation 1976765 (VCV001976765.5), dbSNP rs1340675173, ClinGen allele CA344549601.